The following is an entry in ClinVar:

NM_021930.6(RINT1):c.326A>G (p.Asn109Ser)

Gene: RINT1 (RAD50 interactor 1; plus strand). Cytogenetic location: 7q22.3.
Variant type: single nucleotide variant.
Coding change: c.326A>G on transcript NM_021930.6 (MANE Select); coding-DNA position 326, A replaced by G.
Protein change: p.Asn109Ser; replaces asparagine 109 with serine.
Molecular consequence: missense variant. On other transcripts: 5 prime UTR variant (3), non-coding transcript variant (1).
Genome position (GRCh38, 1-based): chr7:105,542,460, A>G. VCF-style: chr7-105542460-A-G. GRCh37 (hg19) VCF-style: chr7-105182907-A-G.
Other names: c.92A>G, p.Asn31Ser (NM_001346599.2); c.-694A>G (NM_001346600.2); c.-597A>G (NM_001346601.2); c.-217A>G (NM_001346603.2); short protein forms N109S, N31S.
Identifiers: ClinVar variation 942444 (VCV000942444.10), dbSNP rs765034316, ClinGen allele CA4426403.
Genomic context (GRCh38, chr7:105,542,460, plus strand): 5'-ATGGTCAGGTACTTACAATTTCATCAGAAATTCCTAAAAGAATTCGAAGTGCCTTAAAAA[A>G]TGCAGAAGAATCAAAGCAATTTCTTAATCAGTTTCTGGAGCAGGAAACTCATCTCTTCAG-3'
Protein context (NP_068749.3, residues 99-119): IPKRIRSALK[Asn109Ser]AEESKQFLNQ

ClinVar aggregate classification (germline): Conflicting classifications of pathogenicity. Review status: criteria provided, conflicting classifications (1 of 4 stars). 2 submissions from 2 submitters: Uncertain significance (1); Likely benign (1). Last evaluated 2024-01-26.

Allele frequency attached by ClinVar (database versions not stated): ExAC 0.00001.

Submissions (2):

Ambry Genetics
Classification: Likely benign. Last evaluated: 2024-01-26. Review status: criteria provided, single submitter. Criteria: Ambry Variant Classification Scheme 2023. Collection method: clinical testing. Allele origin: germline.

Labcorp Genetics (formerly Invitae), Labcorp
Classification: Uncertain significance. Last evaluated: 2019-06-12. Review status: criteria provided, single submitter. Criteria: Invitae Variant Classification Sherloc (09022015). Collection method: clinical testing. Allele origin: germline.
Comment: This sequence change replaces asparagine with serine at codon 109 of the RINT1 protein (p.Asn109Ser). The asparagine residue is moderately conserved and there is a small physicochemical difference between asparagine and serine. In summary, the available evidence is currently insufficient to determine the role of this variant in disease. Therefore, it has been classified as a Variant of Uncertain Significance. Algorithms developed to predict the effect of missense changes on protein structure and function (SIFT, PolyPhen-2, Align-GVGD) all suggest that this variant is likely to be tolerated, but these predictions have not been confirmed by published functional studies and their clinical significance is uncertain. This variant has not been reported in the literature in individuals with RINT1-related conditions. This variant is present in population databases (rs765034316, ExAC 0.001%).